The following is an entry in ClinVar:

ClinVar aggregate classification (germline): Uncertain significance. Review status: criteria provided, single submitter (1 of 4 stars). 2 submissions from 2 submitters: Uncertain significance (1). 1 of the submissions does not count toward it. Last evaluated 2025-01-08.

Conditions:
GPRASP2-related disorder. Also called: GPRASP2-related condition.

Allele frequency attached by ClinVar (database versions not stated): gnomAD exomes 0.00007; ExAC 0.00008; 1000 Genomes Project 0.00026; 1000 Genomes Project 30x 0.00042; ESP Exome Variant Server 0.00047; TOPMed 0.00054; gnomAD 0.00060.
gnomAD v4.1: 142 of 1,211,410 alleles (0.012%); highest among the groups gnomAD compares: African/African-American, 0.16%; no homozygotes.

Submissions (2):

Ambry Genetics
Classification: Uncertain significance. Last evaluated: 2025-01-08. Review status: criteria provided, single submitter. Criteria: Ambry Variant Classification Scheme 2023. Collection method: clinical testing. Allele origin: germline.

PreventionGenetics, part of Exact Sciences
Classification: Likely benign for GPRASP2-related condition. Last evaluated: 2023-11-13. Review status: no assertion criteria provided. Collection method: clinical testing. Allele origin: germline. Not counted in ClinVar's aggregate classification.
Comment: This variant is classified as likely benign based on ACMG/AMP sequence variant interpretation guidelines (Richards et al. 2015 PMID: 25741868, with internal and published modifications).

NM_001004051.4(GPRASP2):c.140G>C (p.Gly47Ala)

Genes: ARMCX5-GPRASP2 (ARMCX5-GPRASP2 readthrough; plus strand), GPRASP2 (G protein-coupled receptor associated sorting protein 2; plus strand). Cytogenetic location: Xq22.1.
Variant type: single nucleotide variant.
Coding change: c.140G>C on transcript NM_001004051.4 (MANE Select); coding-DNA position 140, G replaced by C.
Protein change: p.Gly47Ala; replaces glycine 47 with alanine.
Molecular consequence: missense variant. On other transcripts: intron variant (3).
Genome position (GRCh38, 1-based): chrX:102,715,009, G>C. VCF-style: chrX-102715009-G-C. GRCh37 (hg19) VCF-style: chrX-101969937-G-C.
Other names: c.140G>C, p.Gly47Ala (NM_001199818.1, NM_001184874.3, NM_001184875.3 and 2 more transcripts); c.-820+743G>C (NM_001350268.2); c.-752+743G>C (NM_001350269.2); c.-721+743G>C (NM_001350270.1); short protein forms G47A.
Identifiers: ClinVar variation 2378413 (VCV002378413.5), dbSNP rs138728937, ClinGen allele CA10476427.